The following is an entry in ClinVar:

NM_000384.3(APOB):c.2775C>G (p.Ile925Met)

Gene: APOB (apolipoprotein B; minus strand). Cytogenetic location: 2p24.1.
Variant type: single nucleotide variant.
Coding change: c.2775C>G on transcript NM_000384.3 (MANE Select); coding-DNA position 2775, C replaced by G.
Protein change: p.Ile925Met; replaces isoleucine 925 with methionine.
Molecular consequence: missense variant.
Genome position (GRCh38, 1-based): chr2:21,022,872, G>C on the plus strand (C>G on the coding strand, the complement: APOB is on the minus strand). VCF-style: chr2-21022872-G-C. GRCh37 (hg19) VCF-style: chr2-21245744-G-C.
Other names: short protein forms I925M.
Identifiers: ClinVar variation 2528221 (VCV002528221.3), dbSNP rs2465406924, ClinGen allele CA346010551.

ClinVar aggregate classification (germline): Uncertain significance (1 of 4 stars; one submission).

Conditions:
Cardiovascular phenotype. Identifiers: MedGen CN230736.

Submission:

Ambry Genetics
Classification: Uncertain significance for Cardiovascular phenotype. Last evaluated: 2026-09-11. Review status: criteria provided, single submitter. Criteria: Ambry Variant Classification Scheme 2023. Collection method: clinical testing. Allele origin: germline.
Comment: The p.I925M variant (also known as c.2775C>G), located in coding exon 18 of the APOB gene, results from a C to G substitution at nucleotide position 2775. The isoleucine at codon 925 is replaced by methionine, an amino acid with highly similar properties. This amino acid position is conserved. In addition, this alteration is predicted to be tolerated by in silico analysis. Based on the available evidence, the clinical significance of this variant remains unclear.